The following is an entry in ClinVar:

NM_002474.3(MYH11):c.5614-8C>T

Genes: MYH11 (myosin heavy chain 11; minus strand), NDE1 (nudE neurodevelopment protein 1; plus strand). Cytogenetic location: 16p13.11.
Variant type: single nucleotide variant.
Coding change: c.5614-8C>T on transcript NM_002474.3 (MANE Select); 8 bases into the intron before coding-DNA position 5614, C replaced by T.
Molecular consequence: intron variant.
Genome position (GRCh38, 1-based): chr16:15,715,089, G>A on the plus strand (C>T on the coding strand, the complement: MYH11 is on the minus strand). VCF-style: chr16-15715089-G-A. GRCh37 (hg19) VCF-style: chr16-15808946-G-A.
Other names: c.948-9102G>A (NM_001143979.2, NM_017668.3); c.5614-8C>T (NM_022844.3); c.5635-8C>T (NM_001040114.2, NM_001040113.2).
Identifiers: ClinVar variation 496101 (VCV000496101.13), dbSNP rs376174444, ClinGen allele CA7921189.
Genomic context (GRCh38, chr16:15,715,089, plus strand): 5'-GCCTCCTCCAGCTGCCTCTTGAGCTGCTTGACCCTGGCATTGCCTTTCTCTGCCTGTCGC[G>A]GAGAGTTGGAGGGGTGGTTAGGGGAGGCCGGCTGGGGGCTGGGGGCTCGAGGGAGGCTGG-3'

ClinVar aggregate classification (germline): Likely benign. Review status: criteria provided, multiple submitters, no conflicts (2 of 4 stars). 6 submissions from 6 submitters: Likely benign (6). Last evaluated 2025-11-17.

Conditions:
Familial thoracic aortic aneurysm and aortic dissection (TAAD). Also called: Thoracic aortic aneurysms and dissections. Identifiers: Orphanet 91387, MedGen C4707243, MONDO:0019625.
Aortic aneurysm, familial thoracic 4 (AAT4). Also called: AORTIC ANEURYSM/AORTIC DISSECTION AND PATENT DUCTUS ARTERIOSUS. Identifiers: MedGen C1851504, MONDO:0007568, OMIM 132900.

Allele frequency attached by ClinVar (database versions not stated): ExAC 0.00002; gnomAD exomes 0.00003 and 0.00004; gnomAD 0.00004 and 0.00005; TOPMed 0.00005; ESP Exome Variant Server 0.00008.
gnomAD v4.1: 51 of 1,612,536 alleles (0.0032%); highest among the groups gnomAD compares: East Asian, 0.018%; no homozygotes.

Submissions (6):

Labcorp Genetics (formerly Invitae), Labcorp
Classification: Likely benign for Aortic aneurysm, familial thoracic 4. Last evaluated: 2025-11-17. Review status: criteria provided, single submitter. Criteria: Invitae Variant Classification Sherloc (09022015). Collection method: clinical testing. Allele origin: germline.

Blueprint Genetics
Classification: Likely benign. Last evaluated: 2024-05-24. Review status: criteria provided, single submitter. Criteria: ACMG Guidelines, 2015. Collection method: clinical testing. Allele origin: germline.

Color Diagnostics, LLC DBA Color Health
Classification: Likely benign for Familial thoracic aortic aneurysm and aortic dissection. Last evaluated: 2018-11-16. Review status: criteria provided, single submitter. Criteria: ACMG Guidelines, 2015. Collection method: clinical testing. Allele origin: germline.

Genome Diagnostics Laboratory, University Medical Center Utrecht
Classification: Likely benign for Aortic aneurysm, familial thoracic 4. Last evaluated: 2017-07-28. Review status: criteria provided, single submitter. Criteria: ACGS Guidelines, 2013. Collection method: clinical testing. Allele origin: germline. Affected: yes. Study: VKGL Data-share Consensus.

Women's Health and Genetics/Laboratory Corporation of America, LabCorp
Classification: Likely benign. Last evaluated: 2017-02-27. Review status: criteria provided, single submitter. Criteria: LabCorp Variant Classification Summary - May 2015. Collection method: clinical testing. Allele origin: germline.
Comment: Variant summary: c.5635-8C>T in MYH11 gene is an intronic change that involves a non-conserved nucleotide. 5/5 programs in Alamut predict that this variant does not affect the normal splicing pattern, however no functional studies supporting this notion were published at the time of evaluation. The variant is present in the control population dataset of ExAC at a frequency of 1.656e-05 (2/120806 chrs tested). The observed frequency exceed the maximum expected allele frequency for a pathogenic variant of 0.0000125. The variant is present in a control population dataset of gnomAD at a frequency of 0.00003678 (9/244728 chrs), mainly in individuals of South Asian origin: 0.0001625 (5/ 307760 chrs), however, since the data set is still in beta mode, this data was not captured in pbGP. This data suggest that the variant of interest may be an ethnic-specific functional polymorphism. The variant of interest has not, to our knowledge, been reported in affected individuals in published reports or cited by a reputable database/clinical laboratory. Considering all, the variant was classified as Likely Benign.

Clinical Genetics DNA and cytogenetics Diagnostics Lab, Erasmus MC, Erasmus Medical Center
Classification: Likely benign for Aortic aneurysm, familial thoracic 4. Last evaluated: 2016-10-19. Review status: criteria provided, single submitter. Criteria: ACGS Guidelines, 2013. Collection method: clinical testing. Allele origin: germline. Affected: yes. Study: VKGL Data-share Consensus.